The following is an entry in ClinVar:

NM_003060.4(SLC22A5):c.1492C>A (p.Leu498Met)

Gene: SLC22A5 (solute carrier family 22 member 5; plus strand). Cytogenetic location: 5q31.1.
Variant type: single nucleotide variant.
Coding change: c.1492C>A on transcript NM_003060.4 (MANE Select); coding-DNA position 1492, C replaced by A.
Protein change: p.Leu498Met; replaces leucine 498 with methionine.
Molecular consequence: missense variant.
Genome position (GRCh38, 1-based): chr5:132,393,717, C>A. VCF-style: chr5-132393717-C-A. GRCh37 (hg19) VCF-style: chr5-131729409-C-A.
Other names: c.1564C>A, p.Leu522Met (NM_001308122.2); short protein forms L498M, L522M.
Identifiers: ClinVar variation 1401509 (VCV001401509.6), dbSNP rs183379391, ClinGen allele CA127213073.
Genomic context (GRCh38, chr5:132,393,717, plus strand): 5'-TCCGTCTGCTTTGCCATAGGTGCCTACGACCGCTTCCTGCCCTACATTCTCATGGGAAGT[C>A]TGACCATCCTGACAGCCATCCTCACCTTGTTTCTCCCAGAGAGCTTCGGTACCCCACTCC-3'
Protein context (NP_003051.1, residues 488-508): RFLPYILMGS[Leu498Met]TILTAILTLF

ClinVar aggregate classification (germline): Uncertain significance. Review status: criteria provided, multiple submitters, no conflicts (2 of 4 stars). 2 submissions from 2 submitters: Uncertain significance (2). Last evaluated 2021-10-14.

Conditions:
Renal carnitine transport defect (CDSP). Also called: Systemic primary carnitine deficiency; Systemic primary carnitine deficiency disease; Carnitine transporter deficiency; CARNITINE DEFICIENCY, SYSTEMIC, DUE TO DEFECT IN RENAL REABSORPTION OF CARNITINE; Primary carnitine deficiency; CARNITINE TRANSPORTER, PLASMA-MEMBRANE, DEFICIENCY OF. Identifiers: Orphanet 158, MedGen C0342788, MONDO:0008919, OMIM 212140.

Allele frequency attached by ClinVar (database versions not stated): gnomAD exomes below 0.00001 and 0.00001; gnomAD 0.00001; 1000 Genomes Project 30x 0.00016; 1000 Genomes Project 0.00020.
gnomAD v4.1: 15 of 1,614,196 alleles (0.00093%); highest among the groups gnomAD compares: East Asian, 0.016%; no homozygotes.

Submissions (2):

Labcorp Genetics (formerly Invitae), Labcorp
Classification: Uncertain significance for Renal carnitine transport defect. Last evaluated: 2021-10-14. Review status: criteria provided, single submitter. Criteria: Invitae Variant Classification Sherloc (09022015). Collection method: clinical testing. Allele origin: germline.
Comment: This sequence change replaces leucine with methionine at codon 498 of the SLC22A5 protein (p.Leu498Met). The leucine residue is highly conserved and there is a small physicochemical difference between leucine and methionine. This variant is not present in population databases (ExAC no frequency). This variant has not been reported in the literature in individuals affected with SLC22A5-related conditions. Algorithms developed to predict the effect of missense changes on protein structure and function are either unavailable or do not agree on the potential impact of this missense change (SIFT: "Deleterious"; PolyPhen-2: "Benign"; Align-GVGD: "Class C0"). In summary, the available evidence is currently insufficient to determine the role of this variant in disease. Therefore, it has been classified as a Variant of Uncertain Significance.

Fulgent Genetics
Classification: Uncertain significance for Renal carnitine transport defect. Last evaluated: 2021-07-06. Review status: criteria provided, single submitter. Criteria: ACMG Guidelines, 2015. Collection method: clinical testing. Allele origin: unknown.